The following is an entry in ClinVar:

NM_198578.4(LRRK2):c.4306T>C (p.Phe1436Leu)

Gene: LRRK2 (leucine rich repeat kinase 2; plus strand). Cytogenetic location: 12q12.
Variant type: single nucleotide variant.
Coding change: c.4306T>C on transcript NM_198578.4 (MANE Select); coding-DNA position 4306, T replaced by C.
Protein change: p.Phe1436Leu; replaces phenylalanine 1436 with leucine.
Molecular consequence: missense variant.
Genome position (GRCh38, 1-based): chr12:40,309,222, T>C. VCF-style: chr12-40309222-T-C. GRCh37 (hg19) VCF-style: chr12-40703024-T-C.
Other names: short protein forms F1436L.
Identifiers: ClinVar variation 1407160 (VCV001407160.6), dbSNP rs1009030976, ClinGen allele CA235357365.
Genomic context (GRCh38, chr12:40,309,222, plus strand): 5'-CTTGCTGTCTATGACCTCAGCAAGGGACAGGCTGAAGTTGATGCCATGAAGCCTTGGCTC[T>C]TCAATATAAAGGTGATTTGTTCTGATCATTTGAAAATAGAAAATAATTCATGTGTCTGTG-3'
Protein context (NP_940980.4, residues 1426-1446): AEVDAMKPWL[Phe1436Leu]NIKARASSSP

ClinVar aggregate classification (germline): Uncertain significance (1 of 4 stars; one submission).

Conditions:
Autosomal dominant Parkinson disease 8. Also called: Parkinson disease 8, susceptibility to; LRRK2-Related Parkinson Disease; Parkinson disease 8. Identifiers: Orphanet 411602, MedGen C1846862, MONDO:0011764, OMIM 607060.

Allele frequency attached by ClinVar (database versions not stated): gnomAD exomes below 0.00001; TOPMed below 0.00001.

Submission:

Labcorp Genetics (formerly Invitae), Labcorp
Classification: Uncertain significance for Autosomal dominant Parkinson disease 8. Last evaluated: 2022-09-07. Review status: criteria provided, single submitter. Criteria: Invitae Variant Classification Sherloc (09022015). Collection method: clinical testing. Allele origin: germline.
Comment: This sequence change replaces phenylalanine, which is neutral and non-polar, with leucine, which is neutral and non-polar, at codon 1436 of the LRRK2 protein (p.Phe1436Leu). This variant is not present in population databases (gnomAD no frequency). This missense change has been observed in individual(s) with Parkinson disease (PMID: 27294386). ClinVar contains an entry for this variant (Variation ID: 1407160). Algorithms developed to predict the effect of missense changes on protein structure and function are either unavailable or do not agree on the potential impact of this missense change (SIFT: "Tolerated"; PolyPhen-2: "Probably Damaging"; Align-GVGD: "Class C0"). In summary, the available evidence is currently insufficient to determine the role of this variant in disease. Therefore, it has been classified as a Variant of Uncertain Significance.

Literature cited by the submitters: PubMed 27294386.